The following is an entry in ClinVar:

ClinVar aggregate classification (germline): Conflicting classifications of pathogenicity. Review status: criteria provided, conflicting classifications (1 of 4 stars). 3 submissions from 3 submitters: Uncertain significance (1); Likely benign (2). Last evaluated 2024-05-01.

Allele frequency attached by ClinVar (database versions not stated): ESP Exome Variant Server 0.00008; 1000 Genomes Project 30x 0.00016; 1000 Genomes Project 0.00020; gnomAD 0.00021 and 0.00022; TOPMed 0.00021.
gnomAD v4.1: 100 of 1,614,002 alleles (0.0062%); highest among the groups gnomAD compares: African/African-American, 0.068%; 1 homozygote.

Submissions (3):

Ambry Genetics
Classification: Uncertain significance. Last evaluated: 2024-05-01. Review status: criteria provided, single submitter. Criteria: Ambry Variant Classification Scheme 2023. Collection method: clinical testing. Allele origin: germline.

CeGaT Center for Human Genetics Tuebingen
Classification: Likely benign. Last evaluated: 2022-07-01. Review status: criteria provided, single submitter. Criteria: CeGaT Center For Human Genetics Tuebingen Variant Classification Criteria Version 2. Collection method: clinical testing. Allele origin: germline. Affected: yes. Observed: 1 variant allele.
Comment: ACACB: BP4

Labcorp Genetics (formerly Invitae), Labcorp
Classification: Likely benign. Last evaluated: 2019-12-07. Review status: criteria provided, single submitter. Criteria: Invitae Variant Classification Sherloc (09022015). Collection method: clinical testing. Allele origin: germline.

NM_001093.4(ACACB):c.554G>A (p.Arg185His)

Gene: ACACB (acetyl-CoA carboxylase beta; plus strand). Cytogenetic location: 12q24.11.
Variant type: single nucleotide variant.
Coding change: c.554G>A on transcript NM_001093.4 (MANE Select); coding-DNA position 554, G replaced by A.
Protein change: p.Arg185His; replaces arginine 185 with histidine.
Molecular consequence: missense variant.
Genome position (GRCh38, 1-based): chr12:109,139,959, G>A. VCF-style: chr12-109139959-G-A. GRCh37 (hg19) VCF-style: chr12-109577764-G-A.
Other names: c.554G>A (NM_001093.3); short protein forms R185H.
Identifiers: ClinVar variation 1088444 (VCV001088444.37), dbSNP rs147024369, ClinGen allele CA6772961.